The following is an entry in ClinVar:

NM_001035.3(RYR2):c.3070G>T (p.Val1024Leu)

Gene: RYR2 (ryanodine receptor 2; plus strand). Cytogenetic location: 1q43.
Variant type: single nucleotide variant.
Coding change: c.3070G>T on transcript NM_001035.3 (MANE Select); coding-DNA position 3070, G replaced by T.
Protein change: p.Val1024Leu; replaces valine 1024 with leucine.
Molecular consequence: missense variant.
Genome position (GRCh38, 1-based): chr1:237,550,547, G>T. VCF-style: chr1-237550547-G-T. GRCh37 (hg19) VCF-style: chr1-237713847-G-T.
Other names: c.3070G>T, p.Val1024Leu (LRG_402t1); short protein forms V1024L.
Identifiers: ClinVar variation 640569 (VCV000640569.19), dbSNP rs1291873158, ClinGen allele CA070977.

ClinVar aggregate classification (germline): Conflicting classifications of pathogenicity. Review status: criteria provided, conflicting classifications (1 of 4 stars). 5 submissions from 5 submitters: Uncertain significance (4); Likely benign (1). Last evaluated 2024-10-22.

Conditions:
Catecholaminergic polymorphic ventricular tachycardia (CVPT). Also called: Catecholamine-induced polymorphic ventricular tachycardia. Identifiers: Orphanet 3286, MedGen C5574922, MONDO:0017990.
Cardiovascular phenotype. Identifiers: MedGen CN230736.
Catecholaminergic polymorphic ventricular tachycardia 1. Also called: RYR2-Related Catecholaminergic Polymorphic Ventricular Tachycardia; VENTRICULAR TACHYCARDIA, CATECHOLAMINERGIC POLYMORPHIC, 1, WITH OR WITHOUT ATRIAL DYSFUNCTION AND/OR DILATED CARDIOMYOPATHY; VENTRICULAR TACHYCARDIA, STRESS-INDUCED POLYMORPHIC 1. Identifiers: Orphanet 3286, MedGen C1631597, MONDO:0011484, OMIM 604772.
Cardiomyopathy (CMYO). Also called: Cardiomyopathies. Identifiers: Orphanet 167848, MedGen C0878544, MONDO:0004994, HP:0001638. Inheritance: Various modes of inheritance.

Allele frequency attached by ClinVar (database versions not stated): gnomAD 0.00001; TOPMed 0.00001.
gnomAD v4.1: 54 of 1,608,670 alleles (0.0034%); highest among the groups gnomAD compares: Non-Finnish European, 0.004%; no homozygotes.

Submissions (5):

Labcorp Genetics (formerly Invitae), Labcorp
Classification: Uncertain significance for Catecholaminergic polymorphic ventricular tachycardia 1. Last evaluated: 2024-10-22. Review status: criteria provided, single submitter. Criteria: Invitae Variant Classification Sherloc (09022015). Collection method: clinical testing. Allele origin: germline.
Comment: This sequence change replaces valine, which is neutral and non-polar, with leucine, which is neutral and non-polar, at codon 1024 of the RYR2 protein (p.Val1024Leu). This variant is present in population databases (no rsID available, gnomAD 0.004%). This variant has not been reported in the literature in individuals affected with RYR2-related conditions. ClinVar contains an entry for this variant (Variation ID: 640569). Invitae Evidence Modeling of protein sequence and biophysical properties (such as structural, functional, and spatial information, amino acid conservation, physicochemical variation, residue mobility, and thermodynamic stability) indicates that this missense variant is not expected to disrupt RYR2 protein function with a negative predictive value of 95%. In summary, the available evidence is currently insufficient to determine the role of this variant in disease. Therefore, it has been classified as a Variant of Uncertain Significance.

Color Diagnostics, LLC DBA Color Health
Classification: Uncertain significance for Cardiomyopathy. Last evaluated: 2024-03-07. Review status: criteria provided, single submitter. Criteria: ACMG Guidelines, 2015. Collection method: clinical testing. Allele origin: germline.
Comment: This missense variant replaces valine with leucine at codon 1024 of the RYR2 protein. Computational prediction suggests that this variant may not impact protein structure and function (internally defined REVEL score threshold <= 0.5, PMID: 27666373). To our knowledge, functional studies have not been reported for this variant. This variant has not been reported in individuals affected with cardiovascular disorders in the literature. This variant has been identified in 4/272166 chromosomes in the general population by the Genome Aggregation Database (gnomAD). The available evidence is insufficient to determine the role of this variant in disease conclusively. Therefore, this variant is classified as a Variant of Uncertain Significance.

All of Us Research Program, National Institutes of Health
Classification: Uncertain significance for Catecholaminergic polymorphic ventricular tachycardia. Last evaluated: 2023-12-01. Review status: criteria provided, single submitter. Criteria: ACMG Guidelines, 2015. Collection method: clinical testing. Allele origin: germline. Inheritance: Autosomal dominant inheritance. Observed: 4 variant alleles, 4 heterozygotes.
Comment: This missense variant replaces valine with leucine at codon 1024 of the RYR2 protein. Computational prediction suggests that this variant may not impact protein structure and function (internally defined REVEL score threshold <= 0.5, PMID: 27666373). To our knowledge, functional studies have not been reported for this variant. This variant has not been reported in individuals affected with cardiovascular disorders in the literature. This variant has been identified in 4/272166 chromosomes in the general population by the Genome Aggregation Database (gnomAD). The available evidence is insufficient to determine the role of this variant in disease conclusively. Therefore, this variant is classified as a Variant of Uncertain Significance.

This study involves interpretation of variants in research participants for the purpose of population health screening. Participant phenotype was not available at the time of variant classification. Additional details can be found in publication PMID: 35346344, PMCID: PMC8962531

Ambry Genetics
Classification: Uncertain significance for Cardiovascular phenotype. Last evaluated: 2023-03-09. Review status: criteria provided, single submitter. Criteria: Ambry Variant Classification Scheme 2023. Collection method: clinical testing. Allele origin: germline.
Comment: The p.V1024L variant (also known as c.3070G>T), located in coding exon 27 of the RYR2 gene, results from a G to T substitution at nucleotide position 3070. The valine at codon 1024 is replaced by leucine, an amino acid with highly similar properties. This amino acid position is well conserved in available vertebrate species. In addition, the in silico prediction for this alteration is inconclusive. Since supporting evidence is limited at this time, the clinical significance of this alteration remains unclear.

Blueprint Genetics
Classification: Likely benign. Last evaluated: 2021-12-24. Review status: criteria provided, single submitter. Criteria: ACMG Guidelines, 2015. Collection method: clinical testing. Allele origin: germline.